The following is an entry in ClinVar:

ClinVar aggregate classification (germline): Conflicting classifications of pathogenicity. Review status: criteria provided, conflicting classifications (1 of 4 stars). 3 submissions from 3 submitters: Likely pathogenic (1); Uncertain significance (1). 1 of the submissions does not count toward it. Last evaluated 2025-03-05.

Conditions:
SCN4A-related disorder. Also called: SCN4A-related disorders.
Congenital myasthenic syndrome 16. Identifiers: Orphanet 590, MedGen C3280112, MONDO:0013620, OMIM 614198.
Hyperkalemic periodic paralysis. Also called: Familial hyperkalemic periodic paralysis; Gamstorp disease. Identifiers: Orphanet 682, MedGen C0238357, MONDO:0008224, OMIM 170500, HP:0007215.

Allele frequency attached by ClinVar (database versions not stated): gnomAD exomes below 0.00001; gnomAD 0.00001; TOPMed 0.00002.
gnomAD v4.1: 7 of 1,611,702 alleles (0.00043%); highest among the groups gnomAD compares: East Asian, 0.0022%; no homozygotes.

Submissions (3):

Labcorp Genetics (formerly Invitae), Labcorp
Classification: Uncertain significance for Hyperkalemic periodic paralysis. Last evaluated: 2025-03-05. Review status: criteria provided, single submitter. Criteria: Invitae Variant Classification Sherloc (09022015). Collection method: clinical testing. Allele origin: germline.
Comment: This sequence change replaces arginine, which is basic and polar, with histidine, which is basic and polar, at codon 1457 of the SCN4A protein (p.Arg1457His). This variant is present in population databases (no rsID available, gnomAD 0.0009%). This missense change has been observed in individual(s) with congenital myasthenic syndrome (PMID: 25707578). ClinVar contains an entry for this variant (Variation ID: 217263). Invitae Evidence Modeling of protein sequence and biophysical properties (such as structural, functional, and spatial information, amino acid conservation, physicochemical variation, residue mobility, and thermodynamic stability) indicates that this missense variant is expected to disrupt SCN4A protein function with a positive predictive value of 80%. Experimental studies have shown that this missense change affects SCN4A function (PMID: 25707578). In summary, the available evidence is currently insufficient to determine the role of this variant in disease. Therefore, it has been classified as a Variant of Uncertain Significance.

Blueprint Genetics
Classification: Likely pathogenic for SCN4A-related disorders. Last evaluated: 2023-02-23. Review status: criteria provided, single submitter. Criteria: ACMG Guidelines, 2015. Collection method: clinical testing. Allele origin: germline. Affected: yes. Observed: 4 variant alleles.

OMIM
Classification: Pathogenic for MYASTHENIC SYNDROME, CONGENITAL, 16. Last evaluated: 2015-05-01. Review status: no assertion criteria provided. Collection method: literature only. Allele origin: germline. Not counted in ClinVar's aggregate classification.

Literature cited by the submitters: PubMed 25707578 (cited by Labcorp Genetics (formerly Invitae), Labcorp and OMIM).

NM_000334.4(SCN4A):c.4370G>A (p.Arg1457His)

Genes: GH-LCR (growth hormone locus control region; plus strand), SCN4A (sodium voltage-gated channel alpha subunit 4; minus strand). Cytogenetic location: 17q23.3.
Variant type: single nucleotide variant.
Coding change: c.4370G>A on transcript NM_000334.4 (MANE Select); coding-DNA position 4370, G replaced by A.
Protein change: p.Arg1457His; replaces arginine 1457 with histidine.
Molecular consequence: missense variant.
Genome position (GRCh38, 1-based): chr17:63,941,912, C>T on the plus strand (G>A on the coding strand, the complement: SCN4A is on the minus strand). VCF-style: chr17-63941912-C-T. GRCh37 (hg19) VCF-style: chr17-62019272-C-T.
Other names: short protein forms R1457H.
Identifiers: ClinVar variation 217263 (VCV000217263.14), dbSNP rs863225046, ClinGen allele CA279124.